The following is an entry in ClinVar:

NM_032520.5(GNPTG):c.413T>C (p.Val138Ala)

Gene: GNPTG (N-acetylglucosamine-1-phosphate transferase subunit gamma; plus strand). Cytogenetic location: 16p13.3.
Variant type: single nucleotide variant.
Coding change: c.413T>C on transcript NM_032520.5 (MANE Select); coding-DNA position 413, T replaced by C.
Protein change: p.Val138Ala; replaces valine 138 with alanine.
Molecular consequence: missense variant.
Genome position (GRCh38, 1-based): chr16:1,362,207, T>C. VCF-style: chr16-1362207-T-C. GRCh37 (hg19) VCF-style: chr16-1412208-T-C.
Other names: short protein forms V138A.
Identifiers: ClinVar variation 3673044 (VCV003673044.2).

ClinVar aggregate classification (germline): Uncertain significance (1 of 4 stars; one submission).

Submission:

Labcorp Genetics (formerly Invitae), Labcorp
Classification: Uncertain significance. Last evaluated: 2024-08-11. Review status: criteria provided, single submitter. Criteria: Invitae Variant Classification Sherloc (09022015). Collection method: clinical testing. Allele origin: germline.
Comment: This sequence change replaces valine, which is neutral and non-polar, with alanine, which is neutral and non-polar, at codon 138 of the GNPTG protein (p.Val138Ala). This variant is not present in population databases (gnomAD no frequency). This variant has not been reported in the literature in individuals affected with GNPTG-related conditions. An algorithm developed to predict the effect of missense changes on protein structure and function (PolyPhen-2) suggests that this variant is likely to be disruptive. In summary, the available evidence is currently insufficient to determine the role of this variant in disease. Therefore, it has been classified as a Variant of Uncertain Significance.